The following is an entry in ClinVar:

NM_015450.3(POT1):c.421T>G (p.Ser141Ala)

Gene: POT1 (protection of telomeres 1; minus strand). Cytogenetic location: 7q31.33.
Variant type: single nucleotide variant.
Coding change: c.421T>G on transcript NM_015450.3 (MANE Select); coding-DNA position 421, T replaced by G.
Protein change: p.Ser141Ala; replaces serine 141 with alanine.
Molecular consequence: missense variant. On other transcripts: non-coding transcript variant (3).
Genome position (GRCh38, 1-based): chr7:124,863,475, A>C on the plus strand (T>G on the coding strand, the complement: POT1 is on the minus strand). VCF-style: chr7-124863475-A-C. GRCh37 (hg19) VCF-style: chr7-124503529-A-C.
Other names: c.28T>G, p.Ser10Ala (NM_001042594.2); short protein forms S141A, S10A.
Identifiers: ClinVar variation 4743418 (VCV004743418.1).

ClinVar aggregate classification (germline): Uncertain significance (1 of 4 stars; one submission).

Conditions:
Tumor predisposition syndrome 3 (TPDS3). Also called: Melanoma, cutaneous malignant, susceptibility to, 10; Glioma susceptibility 9; LONG TELOMERE SYNDROME, POT1-RELATED; POT1 Tumor Predisposition. Identifiers: Orphanet 618, MedGen C4014476, MONDO:0014368, OMIM 615848.

gnomAD v4.1: 1 of 1,614,032 alleles (0.000062%); highest among the groups gnomAD compares: Non-Finnish European, 0.000085%; no homozygotes.

Submission:

Labcorp Genetics (formerly Invitae), Labcorp
Classification: Uncertain significance for Tumor predisposition syndrome 3. Last evaluated: 2025-09-03. Review status: criteria provided, single submitter. Criteria: Invitae Variant Classification Sherloc (09022015). Collection method: clinical testing. Allele origin: germline.
Comment: This sequence change replaces serine, which is neutral and polar, with alanine, which is neutral and non-polar, at codon 141 of the POT1 protein (p.Ser141Ala). This variant is not present in population databases (gnomAD no frequency). This variant has not been reported in the literature in individuals affected with POT1-related conditions. Invitae Evidence Modeling of protein sequence and biophysical properties (such as structural, functional, and spatial information, amino acid conservation, physicochemical variation, residue mobility, and thermodynamic stability) indicates that this missense variant is not expected to disrupt POT1 protein function with a negative predictive value of 80%. In summary, the available evidence is currently insufficient to determine the role of this variant in disease. Therefore, it has been classified as a Variant of Uncertain Significance.